The following is an entry in ClinVar:

NM_000051.4(ATM):c.5874A>G (p.Ala1958=)

Genes: ATM (ATM serine/threonine kinase; plus strand), C11orf65 (chromosome 11 open reading frame 65; minus strand). Cytogenetic location: 11q22.3.
Variant type: single nucleotide variant.
Coding change: c.5874A>G on transcript NM_000051.4 (MANE Select); coding-DNA position 5874, A replaced by G.
Protein change: p.Ala1958=; no amino-acid change (alanine 1958 retained).
Molecular consequence: synonymous variant. On other transcripts: intron variant (2).
Genome position (GRCh38, 1-based): chr11:108,310,271, A>G. VCF-style: chr11-108310271-A-G. GRCh37 (hg19) VCF-style: chr11-108180998-A-G.
Other names: c.5874A>G, p.Ala1958= (NM_001351834.2); c.641-1200T>C (NM_001330368.2); c.*39-1200T>C (NM_001351110.2).
Identifiers: ClinVar variation 826025 (VCV000826025.15), dbSNP rs1591746375, ClinGen allele CA476675502.

ClinVar aggregate classification (germline): Benign/Likely benign. Review status: criteria provided, multiple submitters, no conflicts (2 of 4 stars). 4 submissions from 4 submitters: Benign (1); Likely benign (3). Last evaluated 2024-05-24.

Conditions:
Hereditary cancer-predisposing syndrome. Also called: Tumor predisposition; Neoplastic Syndromes, Hereditary; Hereditary Cancer Syndrome; Hereditary neoplastic syndrome. Identifiers: Orphanet 140162, MedGen C0027672, MeSH D009386, MONDO:0015356.
Familial cancer of breast. Also called: Hereditary breast cancer; BREAST CANCER, FAMILIAL; hereditary breast carcinoma. Identifiers: Orphanet 227535, MedGen C0346153, MONDO:0016419, OMIM 114480. Disease mechanism: loss of function.
Ataxia-telangiectasia syndrome (AT). Also called: ATAXIA-TELANGIECTASIA, COMPLEMENTATION GROUP A; ATAXIA-TELANGIECTASIA, FRESNO VARIANT; Ataxia-telangiectasia; Ataxia-telangiectasia, complementation group D; AT, COMPLEMENTATION GROUP C; Ataxia-telangiectasia, complementation group E. Identifiers: Orphanet 100, MedGen C0004135, MONDO:0008840, OMIM 208900.

Allele frequency attached by ClinVar (database versions not stated): gnomAD exomes below 0.00001.
gnomAD v4.1: 2 of 1,613,638 alleles (0.00012%); highest among the groups gnomAD compares: East Asian, 0.0022%; no homozygotes.

Submissions (4):

Myriad Genetics, Inc.
Classification: Benign for Familial cancer of breast. Last evaluated: 2024-05-24. Review status: criteria provided, single submitter. Criteria: Myriad Autosomal Dominant, Autosomal Recessive and X-Linked Classification Criteria (2023). Collection method: clinical testing. Allele origin: unknown.
Comment: This variant is considered benign. This variant is a silent/synonymous amino acid change and it is not expected to impact splicing.

Labcorp Genetics (formerly Invitae), Labcorp
Classification: Likely benign for Ataxia-telangiectasia syndrome. Last evaluated: 2023-04-22. Review status: criteria provided, single submitter. Criteria: Invitae Variant Classification Sherloc (09022015). Collection method: clinical testing. Allele origin: germline.

Women's Health and Genetics/Laboratory Corporation of America, LabCorp
Classification: Likely benign. Last evaluated: 2020-01-31. Review status: criteria provided, single submitter. Criteria: LabCorp Variant Classification Summary - May 2015. Collection method: clinical testing. Allele origin: germline.

Ambry Genetics
Classification: Likely benign for Hereditary cancer-predisposing syndrome. Last evaluated: 2019-05-09. Review status: criteria provided, single submitter. Criteria: Ambry Variant Classification Scheme 2023. Collection method: clinical testing. Allele origin: germline.

Literature cited by the submitters: PubMed 30287823 (cited by Women's Health and Genetics/Laboratory Corporation of America, LabCorp).